The following is an entry in ClinVar:

ClinVar aggregate classification (germline): Uncertain significance. Review status: criteria provided, multiple submitters, no conflicts (2 of 4 stars). 4 submissions from 4 submitters: Uncertain significance (4). Last evaluated 2025-05-29.

Conditions:
Inborn genetic diseases. Identifiers: MedGen C0950123, MeSH D030342.
Cone-rod dystrophy 9 (CORD9). Identifiers: Orphanet 1872, MedGen C1423873, MONDO:0013002, OMIM 612775.

Allele frequency attached by ClinVar (database versions not stated): ExAC 0.00002; gnomAD exomes 0.00004 and 0.00012; gnomAD 0.00005; ESP Exome Variant Server 0.00031.
gnomAD v4.1: 182 of 1,610,272 alleles (0.011%); highest among the groups gnomAD compares: Non-Finnish European, 0.015%; 1 homozygote.

Submissions (4):

Ambry Genetics
Classification: Uncertain significance for Inborn genetic diseases. Last evaluated: 2025-05-29. Review status: criteria provided, single submitter. Criteria: Ambry Variant Classification Scheme 2023. Collection method: clinical testing. Allele origin: germline.

Labcorp Genetics (formerly Invitae), Labcorp
Classification: Uncertain significance. Last evaluated: 2021-11-03. Review status: criteria provided, single submitter. Criteria: Invitae Variant Classification Sherloc (09022015). Collection method: clinical testing. Allele origin: germline.
Comment: This sequence change replaces proline, which is neutral and non-polar, with leucine, which is neutral and non-polar, at codon 767 of the ADAM9 protein (p.Pro767Leu). This variant is present in population databases (rs141863787, gnomAD 0.009%). This variant has not been reported in the literature in individuals affected with ADAM9-related conditions. ClinVar contains an entry for this variant (Variation ID: 910379). Algorithms developed to predict the effect of missense changes on protein structure and function output the following: SIFT: "Deleterious"; PolyPhen-2: "Benign"; Align-GVGD: "Class C0". The leucine amino acid residue is found in multiple mammalian species, which suggests that this missense change does not adversely affect protein function. In summary, the available evidence is currently insufficient to determine the role of this variant in disease. Therefore, it has been classified as a Variant of Uncertain Significance.

Blueprint Genetics
Classification: Uncertain significance. Last evaluated: 2021-03-23. Review status: criteria provided, single submitter. Criteria: ACMG Guidelines, 2015. Collection method: clinical testing. Allele origin: germline.

Illumina Laboratory Services, Illumina
Classification: Uncertain significance for Cone-rod dystrophy 9. Last evaluated: 2018-01-13. Review status: criteria provided, single submitter. Criteria: ICSL Variant Classification Criteria 13 December 2019. Collection method: clinical testing. Allele origin: germline.

NM_003816.3(ADAM9):c.2300C>T (p.Pro767Leu)

Gene: ADAM9 (ADAM metallopeptidase domain 9; plus strand). Cytogenetic location: 8p11.22.
Variant type: single nucleotide variant.
Coding change: c.2300C>T on transcript NM_003816.3 (MANE Select); coding-DNA position 2300, C replaced by T.
Protein change: p.Pro767Leu; replaces proline 767 with leucine.
Molecular consequence: missense variant, initiator codon variant. On other transcripts: non-coding transcript variant (3).
Genome position (GRCh38, 1-based): chr8:39,101,864, C>T. VCF-style: chr8-39101864-C-T. GRCh37 (hg19) VCF-style: chr8-38959383-C-T.
Other names: short protein forms P767L.
Identifiers: ClinVar variation 910379 (VCV000910379.10), dbSNP rs141863787, ClinGen allele CA4721872.